The following is an entry in ClinVar:

NM_005529.7(HSPG2):c.2915C>T (p.Thr972Met)

Gene: HSPG2 (heparan sulfate proteoglycan 2; minus strand). Cytogenetic location: 1p36.12.
Variant type: single nucleotide variant.
Coding change: c.2915C>T on transcript NM_005529.7 (MANE Select); coding-DNA position 2915, C replaced by T.
Protein change: p.Thr972Met; replaces threonine 972 with methionine.
Molecular consequence: missense variant.
Genome position (GRCh38, 1-based): chr1:21,876,317, G>A on the plus strand (C>T on the coding strand, the complement: HSPG2 is on the minus strand). VCF-style: chr1-21876317-G-A. GRCh37 (hg19) VCF-style: chr1-22202810-G-A.
Other names: c.2915C>T (NM_005529.5); c.2918C>T, p.Thr973Met (NM_001291860.2); short protein forms T972M, T973M.
Identifiers: ClinVar variation 1911738 (VCV001911738.4), dbSNP rs781639534, ClinGen allele CA672811.
Genomic context (GRCh38, chr1:21,876,317, plus strand): 5'-CTCCAGAAGTAGGGTCCAGATAAGAGTCTGTGGAAGGAGGAGAATCCCAGTTCCCCGGGC[G>A]TGGGGGAGAAGATGCCCTCGTTGGTGGTGTGGGTGCTTGCGGCGTTGGTCAGGCTGAAGT-3'
Protein context (NP_005520.4, residues 962-982): HTTNEGIFSP[Thr972Met]PGELGFSSFH

ClinVar aggregate classification (germline): Uncertain significance. Review status: criteria provided, multiple submitters, no conflicts (2 of 4 stars). 2 submissions from 2 submitters: Uncertain significance (2). Last evaluated 2025-06-17.

Conditions:
Inborn genetic diseases. Identifiers: MedGen C0950123, MeSH D030342.

Allele frequency attached by ClinVar (database versions not stated): gnomAD 0.00001; ExAC 0.00002; TOPMed 0.00006.
gnomAD v4.1: 27 of 1,613,944 alleles (0.0017%); highest among the groups gnomAD compares: East Asian, 0.018%; no homozygotes.

Submissions (2):

Ambry Genetics
Classification: Uncertain significance for Inborn genetic diseases. Last evaluated: 2025-06-17. Review status: criteria provided, single submitter. Criteria: Ambry Variant Classification Scheme 2023. Collection method: clinical testing. Allele origin: germline.

Labcorp Genetics (formerly Invitae), Labcorp
Classification: Uncertain significance. Last evaluated: 2022-04-01. Review status: criteria provided, single submitter. Criteria: Invitae Variant Classification Sherloc (09022015). Collection method: clinical testing. Allele origin: germline.
Comment: This variant has not been reported in the literature in individuals affected with HSPG2-related conditions. Algorithms developed to predict the effect of missense changes on protein structure and function output the following: SIFT: "Tolerated"; PolyPhen-2: "Benign"; Align-GVGD: "Class C0". The methionine amino acid residue is found in multiple mammalian species, which suggests that this missense change does not adversely affect protein function. In summary, the available evidence is currently insufficient to determine the role of this variant in disease. Therefore, it has been classified as a Variant of Uncertain Significance. This variant is present in population databases (rs781639534, gnomAD 0.02%). This sequence change replaces threonine, which is neutral and polar, with methionine, which is neutral and non-polar, at codon 972 of the HSPG2 protein (p.Thr972Met).